The following is an entry in ClinVar:

NM_000038.6(APC):c.8220A>G (p.Pro2740=)

Gene: APC (APC regulator of Wnt signaling pathway; plus strand). Cytogenetic location: 5q22.2.
Variant type: single nucleotide variant.
Coding change: c.8220A>G on transcript NM_000038.6 (MANE Select); coding-DNA position 8220, A replaced by G.
Protein change: p.Pro2740=; no amino-acid change (proline 2740 retained).
Molecular consequence: synonymous variant. On other transcripts: non-coding transcript variant (2).
Genome position (GRCh38, 1-based): chr5:112,843,814, A>G. VCF-style: chr5-112843814-A-G. GRCh37 (hg19) VCF-style: chr5-112179511-A-G.
Other names: c.8220A>G, p.Pro2740= (NM_001127510.3, NM_001354895.2, NM_001407450.1); c.8166A>G, p.Pro2722= (NM_001127511.3); c.8274A>G, p.Pro2758= (NM_001354896.2, NM_001407447.1, NM_001407448.1 and 1 more transcripts); c.8250A>G, p.Pro2750= (NM_001354897.2); c.8145A>G, p.Pro2715= (NM_001354898.2); c.8136A>G, p.Pro2712= (NM_001354899.2); c.8097A>G, p.Pro2699= (NM_001354900.2); c.8043A>G, p.Pro2681= (NM_001354901.2, NM_001407453.1); and 11 more.
Identifiers: ClinVar variation 3254029 (VCV003254029.4), dbSNP rs773180005.

ClinVar aggregate classification (germline): Benign/Likely benign. Review status: criteria provided, multiple submitters, no conflicts (2 of 4 stars). 3 submissions from 3 submitters: Benign (1); Likely benign (2). Last evaluated 2024-09-28.

Conditions:
Familial adenomatous polyposis 1 (FAP1). Also called: POLYPOSIS, ADENOMATOUS INTESTINAL; FAMILIAL ADENOMATOUS POLYPOSIS 1, ATTENUATED. Identifiers: MedGen C2713442, MONDO:0021056, OMIM 175100. Disease mechanism: loss of function.
Classic or attenuated familial adenomatous polyposis. Identifiers: MedGen CN372698, MONDO:0021057.

Allele frequency attached by ClinVar (database versions not stated): gnomAD exomes below 0.00001; ExAC 0.00001.
gnomAD v4.1: 1 of 1,614,120 alleles (0.000062%); highest among the groups gnomAD compares: South Asian, 0.0011%; no homozygotes.

Submissions (3):

Labcorp Genetics (formerly Invitae), Labcorp
Classification: Likely benign for Familial adenomatous polyposis 1. Last evaluated: 2024-09-28. Review status: criteria provided, single submitter. Criteria: Invitae Variant Classification Sherloc (09022015). Collection method: clinical testing. Allele origin: germline.

Myriad Genetics, Inc.
Classification: Benign for Familial adenomatous polyposis 1. Last evaluated: 2024-04-12. Review status: criteria provided, single submitter. Criteria: Myriad Autosomal Dominant, Autosomal Recessive and X-Linked Classification Criteria (2023). Collection method: clinical testing. Allele origin: unknown.
Comment: This variant is considered benign. This variant is a silent/synonymous amino acid change and it is not expected to impact splicing.

All of Us Research Program, National Institutes of Health
Classification: Likely benign for Classic or attenuated familial adenomatous polyposis. Last evaluated: 2024-03-24. Review status: criteria provided, single submitter. Criteria: ACMG Guidelines, 2015. Collection method: clinical testing. Allele origin: germline. Inheritance: Autosomal dominant inheritance. Observed: 1 variant allele, 1 heterozygote.
Comment: This study involves interpretation of variants in research participants for the purpose of population health screening. Participant phenotype was not available at the time of variant classification. Additional details can be found in publication PMID: 35346344, PMCID: PMC8962531